The following is an entry in ClinVar:

ClinVar aggregate classification (germline): Uncertain significance (1 of 4 stars; one submission).

Conditions:
Hereditary cancer-predisposing syndrome. Also called: Neoplastic Syndromes, Hereditary; Hereditary Cancer Syndrome; Tumor predisposition; Hereditary neoplastic syndrome. Identifiers: Orphanet 140162, MedGen C0027672, MeSH D009386, MONDO:0015356.

Submission:

Ambry Genetics
Classification: Uncertain significance for Hereditary cancer-predisposing syndrome. Last evaluated: 2025-01-27. Review status: criteria provided, single submitter. Criteria: Ambry Variant Classification Scheme 2023. Collection method: clinical testing. Allele origin: germline.
Comment: The p.T1327I variant (also known as c.3980C>T), located in coding exon 23 of the PTCH1 gene, results from a C to T substitution at nucleotide position 3980. The threonine at codon 1327 is replaced by isoleucine, an amino acid with similar properties. This amino acid position is conserved. In addition, the in silico prediction for this alteration is inconclusive. Based on the available evidence, the clinical significance of this variant remains unclear.

NM_000264.5(PTCH1):c.3980C>T (p.Thr1327Ile)

Gene: PTCH1 (patched 1; minus strand). Cytogenetic location: 9q22.32.
Variant type: single nucleotide variant.
Coding change: c.3980C>T on transcript NM_000264.5 (MANE Select); coding-DNA position 3980, C replaced by T.
Protein change: p.Thr1327Ile; replaces threonine 1327 with isoleucine.
Molecular consequence: missense variant. On other transcripts: non-coding transcript variant (1).
Genome position (GRCh38, 1-based): chr9:95,447,276, G>A on the plus strand (C>T on the coding strand, the complement: PTCH1 is on the minus strand). VCF-style: chr9-95447276-G-A. GRCh37 (hg19) VCF-style: chr9-98209558-G-A.
Other names: c.3782C>T, p.Thr1261Ile (NM_001083602.3); c.3977C>T, p.Thr1326Ile (NM_001083603.3); c.3527C>T, p.Thr1176Ile (NM_001083604.3, NM_001083605.3, NM_001083606.3 and 1 more transcripts); c.3824C>T, p.Thr1275Ile (NM_001354918.2); short protein forms T1275I, T1176I, T1261I, T1327I, T1326I.
Identifiers: ClinVar variation 3784649 (VCV003784649.1).